The following is an entry in ClinVar:

NM_000465.4(BARD1):c.756T>G (p.Pro252=)

Gene: BARD1 (BRCA1 associated RING domain 1; minus strand). Cytogenetic location: 2q35.
Variant type: single nucleotide variant.
Coding change: c.756T>G on transcript NM_000465.4 (MANE Select); coding-DNA position 756, T replaced by G.
Protein change: p.Pro252=; no amino-acid change (proline 252 retained).
Molecular consequence: synonymous variant. On other transcripts: non-coding transcript variant (2), intron variant (3).
Genome position (GRCh38, 1-based): chr2:214,781,118, A>C on the plus strand (T>G on the coding strand, the complement: BARD1 is on the minus strand). VCF-style: chr2-214781118-A-C. GRCh37 (hg19) VCF-style: chr2-215645842-A-C.
Other names: c.699T>G, p.Pro233= (NM_001282543.2); c.158+28294T>G (NM_001282548.2); c.215+15943T>G (NM_001282545.2); c.364+11179T>G (NM_001282549.2).
Identifiers: ClinVar variation 5041832 (VCV005041832.1).
Genomic context (GRCh38, chr2:214,781,118, plus strand): 5'-AAAACATTCAGATTCTGTCAAGGAGCCACTTGCTAGTAAGTCTATTTCACCATTTATCTG[A>C]GGACTGGAGATAACAGATGGTTGGCTACAGAAGGATACCAGCTTTTGCTTAGATTCCTCT-3'
Protein context (NP_000456.2, residues 242-262): FCSQPSVISS[Pro252=]QINGEIDLLA

ClinVar aggregate classification (germline): Likely benign (1 of 4 stars; one submission).

Submission:

CeGaT Center for Human Genetics Tuebingen
Classification: Likely benign. Last evaluated: 2026-09-01. Review status: criteria provided, single submitter. Criteria: CeGaT Center For Human Genetics Tuebingen Variant Classification Criteria Version 2. Collection method: clinical testing. Allele origin: germline. Affected: yes. Observed: 1 variant allele.
Comment: BARD1: PM2:Supporting, BP4, BP7